The following is an entry in ClinVar:

ClinVar aggregate classification (germline): Conflicting classifications of pathogenicity. Review status: criteria provided, conflicting classifications (1 of 4 stars). 3 submissions from 3 submitters: Uncertain significance (1); Likely benign (1). 1 of the submissions does not count toward it. Last evaluated 2024-12-19.

Conditions:
Polycystic kidney disease, adult type (PKD1). Also called: Polycystic Kidney, Autosomal Dominant; POLYCYSTIC KIDNEY DISEASE 1 WITH OR WITHOUT POLYCYSTIC LIVER DISEASE; POLYCYSTIC KIDNEY DISEASE, ADULT, TYPE I; Polycystic Kidney Disease 1, Autosomal Dominant; Polycystic kidney disease 1; Polycystic kidney disease 1, severe. Identifiers: MedGen C3149841, MONDO:0008263, OMIM 173900.

Allele frequency attached by ClinVar (database versions not stated): TOPMed 0.00010; gnomAD 0.00011 and 0.00016; 1000 Genomes Project 0.00020; gnomAD exomes 0.00020 and 0.00030; 1000 Genomes Project 30x 0.00031; ExAC 0.00041.
gnomAD v4.1: 323 of 1,612,750 alleles (0.02%); highest among the groups gnomAD compares: South Asian, 0.2%; 1 homozygote.

Submissions (3):

Genomic Medicine Center of Excellence, King Faisal Specialist Hospital and Research Centre
Classification: Uncertain significance for Polycystic kidney disease, adult type. Last evaluated: 2024-12-19. Review status: criteria provided, single submitter. Criteria: ACMG Guidelines, 2015. Collection method: clinical testing. Allele origin: germline.

Blueprint Genetics
Classification: Likely benign. Last evaluated: 2024-08-23. Review status: criteria provided, single submitter. Criteria: ACMG Guidelines, 2015. Collection method: clinical testing. Allele origin: germline.

Department of Pathology and Laboratory Medicine, Sinai Health System
Classification: Uncertain significance. Review status: no assertion criteria provided. Collection method: clinical testing. Allele origin: unknown. Affected: yes. Study: The Canadian Open Genetics Repository (COGR). Not counted in ClinVar's aggregate classification.
Comment: The PKD1 c.10402+7T>C variant was not identified in the literature nor was it identified in the ClinVar, GeneInsight-COGR, Cosmic, LOVD 3.0, UMD-LSDB, ARUP Laboratories, Zhejiang University Database, ADPKD Mutation Database or PKD1-LOVD databases. The variant was identified in dbSNP (ID: rs201762369) and in control databases in 75 of 278780 chromosomes at a frequency of 0.000269 (Genome Aggregation Database Feb 27, 2017). The variant was observed in the following populations: South Asian in 60 of 30512 chromosomes (freq: 0.001966), Other in 4 of 7166 chromosomes (freq: 0.000558), Latino in 3 of 35290 chromosomes (freq: 0.000085) and European (non-Finnish) in 8 of 126436 chromosomes (freq: 0.000063), while the variant was not observed in the African, Ashkenazi Jewish, East Asian, and European (Finnish) populations. The c.10402+7T>C variant is not expected to have clinical significance because it does not result in a change of amino acid and is not located in a known consensus splice site. In addition, in silico or computational prediction software programs (SpliceSiteFinder, MaxEntScan, NNSPLICE, GeneSplicer) do not predict a difference in splicing. We cannot be certain that data from control databases is specific to PKD1 and not from one of the six PKD1 pseudogenes. In summary, based on the above information the clinical significance of this variant cannot be determined with certainty at this time. This variant is classified as a variant of uncertain significance.

NM_001009944.3(PKD1):c.10405+7T>C

Gene: PKD1 (polycystin 1, transient receptor potential channel interacting; minus strand). Cytogenetic location: 16p13.3.
Variant type: single nucleotide variant.
Coding change: c.10405+7T>C on transcript NM_001009944.3 (MANE Select); 7 bases into the intron after coding-DNA position 10405, T replaced by C.
Molecular consequence: intron variant.
Genome position (GRCh38, 1-based): chr16:2,097,312, A>G on the plus strand (T>C on the coding strand, the complement: PKD1 is on the minus strand). VCF-style: chr16-2097312-A-G. GRCh37 (hg19) VCF-style: chr16-2147313-A-G.
Other names: c.10402+7T>C (NM_000296.4).
Identifiers: ClinVar variation 1050056 (VCV001050056.3), dbSNP rs201762369, ClinGen allele CA7829621.
Genomic context (GRCh38, chr16:2,097,312, plus strand): 5'-AGGAGGCATAGGGTGGGCCCAGCTGCAAGGGTGAGCTTCAGAGCCCCCTCCTCTCACCCC[A>G]GCTCACCTGATGCTGAGAAGGATTTGGCAGGCGAGTAGGGGCTGGCCAGGGAGAAGCCGT-3'